The following is an entry in ClinVar:

NM_199242.3(UNC13D):c.2625+1G>A

Gene: UNC13D (unc-13 homolog D; minus strand). Cytogenetic location: 17q25.1.
Variant type: single nucleotide variant.
Coding change: c.2625+1G>A on transcript NM_199242.3 (MANE Select); the canonical splice donor site of the intron after coding-DNA position 2625, G replaced by A.
Molecular consequence: splice donor variant.
Genome position (GRCh38, 1-based): chr17:75,831,097, C>T on the plus strand (G>A on the coding strand, the complement: UNC13D is on the minus strand). VCF-style: chr17-75831097-C-T. GRCh37 (hg19) VCF-style: chr17-73827178-C-T.
Identifiers: ClinVar variation 3000583 (VCV003000583.3), dbSNP rs2545977596, ClinGen allele CA401081028.

ClinVar aggregate classification (germline): Likely pathogenic (1 of 4 stars; one submission).

Conditions:
Familial hemophagocytic lymphohistiocytosis 3 (FHL3). Also called: UNC13D-Related Familial Hemophagocytic Lymphohistiocytosis (UNC13D-fHLH). Identifiers: Orphanet 540, MedGen C1837174, MONDO:0012146, OMIM 608898.

Allele frequency attached by ClinVar (database versions not stated): gnomAD exomes below 0.00001.
gnomAD v4.1: 1 of 1,613,904 alleles (0.000062%); highest among the groups gnomAD compares: Non-Finnish European, 0.000085%; no homozygotes.

Submission:

Labcorp Genetics (formerly Invitae), Labcorp
Classification: Likely pathogenic for Familial hemophagocytic lymphohistiocytosis 3. Last evaluated: 2023-08-29. Review status: criteria provided, single submitter. Criteria: Invitae Variant Classification Sherloc (09022015). Collection method: clinical testing. Allele origin: germline.
Comment: In summary, the currently available evidence indicates that the variant is pathogenic, but additional data are needed to prove that conclusively. Therefore, this variant has been classified as Likely Pathogenic. Algorithms developed to predict the effect of sequence changes on RNA splicing suggest that this variant may disrupt the consensus splice site. Disruption of this splice site has been observed in individual(s) with familial hemophagocytic lymphohistiocytosis (PMID: 33746956). This variant is not present in population databases (gnomAD no frequency). This sequence change affects a donor splice site in intron 27 of the UNC13D gene. It is expected to disrupt RNA splicing. Variants that disrupt the donor or acceptor splice site typically lead to a loss of protein function (PMID: 16199547), and loss-of-function variants in UNC13D are known to be pathogenic (PMID: 14622600).

Literature cited by the submitters: PubMed 33746956; PubMed 16199547; PubMed 14622600.